The following is an entry in ClinVar:

ClinVar aggregate classification (germline): Uncertain significance. Review status: criteria provided, multiple submitters, no conflicts (2 of 4 stars). 2 submissions from 2 submitters: Uncertain significance (2). Last evaluated 2025-01-19.

gnomAD v4.1: 1 of 1,613,920 alleles (0.000062%); highest among the groups gnomAD compares: African/African-American, 0.0013%; no homozygotes.

Submissions (2):

Labcorp Genetics (formerly Invitae), Labcorp
Classification: Uncertain significance. Last evaluated: 2025-01-19. Review status: criteria provided, single submitter. Criteria: Invitae Variant Classification Sherloc (09022015). Collection method: clinical testing. Allele origin: germline.
Comment: This sequence change replaces phenylalanine, which is neutral and non-polar, with tyrosine, which is neutral and polar, at codon 86 of the ISCA2 protein (p.Phe86Tyr). This variant is not present in population databases (gnomAD no frequency). This variant has not been reported in the literature in individuals affected with ISCA2-related conditions. An algorithm developed to predict the effect of missense changes on protein structure and function (PolyPhen-2) suggests that this variant is likely to be disruptive. In summary, the available evidence is currently insufficient to determine the role of this variant in disease. Therefore, it has been classified as a Variant of Uncertain Significance.

GeneDx
Classification: Uncertain significance. Last evaluated: 2024-05-06. Review status: criteria provided, single submitter. Criteria: GeneDx Variant Classification Process June 2021. Collection method: clinical testing. Allele origin: germline. Affected: yes.
Comment: Not observed at significant frequency in large population cohorts (gnomAD); In silico analysis supports that this missense variant has a deleterious effect on protein structure/function; Has not been previously published as pathogenic or benign to our knowledge

NM_194279.4(ISCA2):c.257T>A (p.Phe86Tyr)

Gene: ISCA2 (iron-sulfur cluster assembly 2; plus strand). Cytogenetic location: 14q24.3.
Variant type: single nucleotide variant.
Coding change: c.257T>A on transcript NM_194279.4 (MANE Select); coding-DNA position 257, T replaced by A.
Protein change: p.Phe86Tyr; replaces phenylalanine 86 with tyrosine.
Molecular consequence: missense variant. On other transcripts: intron variant (1).
Genome position (GRCh38, 1-based): chr14:74,494,357, T>A. VCF-style: chr14-74494357-T-A. GRCh37 (hg19) VCF-style: chr14-74961060-T-A.
Other names: c.174+205T>A (NM_001272007.2); short protein forms F86Y.
Identifiers: ClinVar variation 3376047 (VCV003376047.3).
Genomic context (GRCh38, chr14:74,494,357, plus strand): 5'-GGTCAGAATTCCTCAGGCTGCAAGTGGAGGGAGGTGGATGCTCCGGATTCCAATACAAAT[T>A]TTCACTGGATACAGTTATCAACCCCGACGACAGGCAAGGAGGAAGGGGTGGGCCCCCAAA-3'
Protein context (NP_919255.2, residues 76-96): GGGCSGFQYK[Phe86Tyr]SLDTVINPDD